The following is an entry in ClinVar:

ClinVar aggregate classification (germline): Uncertain significance (1 of 4 stars; one submission).

Conditions:
Spermatogenic failure 18. Identifiers: MedGen C4539783, MONDO:0054615, OMIM 617576.
Ciliary dyskinesia, primary, 37 (CILD37). Also called: CILIARY DYSKINESIA, PRIMARY, 37, WITH OR WITHOUT SITUS INVERSUS. Identifiers: MedGen C4539798, MONDO:0033204, OMIM 617577.

Allele frequency attached by ClinVar (database versions not stated): gnomAD exomes below 0.00001 and 0.00001; ExAC 0.00001; gnomAD 0.00001; TOPMed 0.00002; ESP Exome Variant Server 0.00008.
gnomAD v4.1: 7 of 1,613,882 alleles (0.00043%); highest among the groups gnomAD compares: African/African-American, 0.0067%; no homozygotes.

Submission:

Labcorp Genetics (formerly Invitae), Labcorp
Classification: Uncertain significance for Ciliary dyskinesia, primary, 37; Spermatogenic failure 18. Last evaluated: 2022-06-28. Review status: criteria provided, single submitter. Criteria: Invitae Variant Classification Sherloc (09022015). Collection method: clinical testing. Allele origin: germline.
Comment: In summary, the available evidence is currently insufficient to determine the role of this variant in disease. Therefore, it has been classified as a Variant of Uncertain Significance. Algorithms developed to predict the effect of missense changes on protein structure and function are either unavailable or do not agree on the potential impact of this missense change (SIFT: "Deleterious"; PolyPhen-2: "Probably Damaging"; Align-GVGD: "Class C0"). ClinVar contains an entry for this variant (Variation ID: 581606). This variant has not been reported in the literature in individuals affected with DNAH1-related conditions. This variant is present in population databases (rs370146778, gnomAD 0.007%). This sequence change replaces leucine, which is neutral and non-polar, with proline, which is neutral and non-polar, at codon 4191 of the DNAH1 protein (p.Leu4191Pro).

NM_015512.5(DNAH1):c.12572T>C (p.Leu4191Pro)

Gene: DNAH1 (dynein axonemal heavy chain 1; plus strand). Cytogenetic location: 3p21.1.
Variant type: single nucleotide variant.
Coding change: c.12572T>C on transcript NM_015512.5 (MANE Select); coding-DNA position 12572, T replaced by C.
Protein change: p.Leu4191Pro; replaces leucine 4191 with proline.
Molecular consequence: missense variant.
Genome position (GRCh38, 1-based): chr3:52,399,675, T>C. VCF-style: chr3-52399675-T-C. GRCh37 (hg19) VCF-style: chr3-52433691-T-C.
Other names: short protein forms L4191P.
Identifiers: ClinVar variation 581606 (VCV000581606.6), dbSNP rs370146778, ClinGen allele CA2436510.